The following is an entry in ClinVar:

NM_002691.4(POLD1):c.150_151delinsAA (p.Gln51Lys)

Gene: POLD1 (DNA polymerase delta 1, catalytic subunit; plus strand). Cytogenetic location: 19q13.33.
Variant type: Indel.
Coding change: c.150_151delinsAA on transcript NM_002691.4 (MANE Select); coding-DNA positions 150 to 151, GC replaced by AA.
Protein change: p.Gln51Lys; replaces glutamine 51 with lysine.
Molecular consequence: missense variant. On other transcripts: non-coding transcript variant (1).
Genome position (GRCh38, 1-based): chr19:50,399,001-50,399,002, GC replaced by AA. VCF-style: chr19-50399001-GC-AA. GRCh37 (hg19) VCF-style: chr19-50902258-GC-AA.
Other names: c.150_151delinsAA, p.Gln51Lys (NM_001256849.1, NM_001308632.1); short protein forms Q51K.
Identifiers: ClinVar variation 2089164 (VCV002089164.4), dbSNP rs2513933301, ClinGen allele CA2580097604.
Genomic context (GRCh38, chr19:50,399,001, plus strand): 5'-GCCATCCCAATTCGAGGAGGACCTGGCACTGATGGAGGAGATGGAGGCAGAACACAGGCT[GC>AA]AGGAGCAGGAGGAGGAGGAGCTGCAGTCAGTCCTGGAGGGGGTTGCAGACGGTAAGGCTT-3'
Protein context (NP_002682.2, residues 41-61): MEEMEAEHRL[Gln51Lys]EQEEEELQSV

ClinVar aggregate classification (germline): Uncertain significance (1 of 4 stars; one submission).

Conditions:
POLD1-related polyposis and colorectal cancer syndrome (CRCS10). Also called: Colorectal cancer 10; COLORECTAL CANCER, SUSCEPTIBILITY TO, ON CHROMOSOME 19q; Colorectal cancer, susceptibility to, 10. Identifiers: Orphanet 220460, MedGen C2675481, MONDO:0012953, OMIM 612591.

Submission:

Labcorp Genetics (formerly Invitae), Labcorp
Classification: Uncertain significance for POLD1-related polyposis and colorectal cancer syndrome. Last evaluated: 2022-01-23. Review status: criteria provided, single submitter. Criteria: Invitae Variant Classification Sherloc (09022015). Collection method: clinical testing. Allele origin: germline.
Comment: In summary, the available evidence is currently insufficient to determine the role of this variant in disease. Therefore, it has been classified as a Variant of Uncertain Significance. Experimental studies and prediction algorithms are not available or were not evaluated, and the functional significance of this variant is currently unknown. This variant has not been reported in the literature in individuals affected with POLD1-related conditions. Information on the frequency of this variant in the gnomAD database is not available, as this variant may be reported differently in the database. This sequence change replaces glutamine, which is neutral and polar, with lysine, which is basic and polar, at codon 51 of the POLD1 protein (p.Gln51Lys).